The following is an entry in ClinVar:

ClinVar aggregate classification (germline): Uncertain significance. Review status: criteria provided, multiple submitters, no conflicts (2 of 4 stars). 2 submissions from 2 submitters: Uncertain significance (2). Last evaluated 2025-11-04.

Conditions:
Inborn genetic diseases. Identifiers: MedGen C0950123, MeSH D030342.

gnomAD v4.1: 5 of 1,613,016 alleles (0.00031%); highest among the groups gnomAD compares: East Asian, 0.0022%; no homozygotes.

Submissions (2):

Labcorp Genetics (formerly Invitae), Labcorp
Classification: Uncertain significance. Last evaluated: 2025-11-04. Review status: criteria provided, single submitter. Criteria: Invitae Variant Classification Sherloc (09022015). Collection method: clinical testing. Allele origin: germline.
Comment: This sequence change replaces glycine, which is neutral and non-polar, with arginine, which is basic and polar, at codon 901 of the COL11A2 protein (p.Gly901Arg). The frequency data for this variant in the population databases is considered unreliable, as metrics indicate poor data quality at this position in the gnomAD database. This variant has not been reported in the literature in individuals affected with COL11A2-related conditions. ClinVar contains an entry for this variant (Variation ID: 3495044). Invitae Evidence Modeling of protein sequence and biophysical properties (such as structural, functional, and spatial information, amino acid conservation, physicochemical variation, residue mobility, and thermodynamic stability) indicates that this missense variant is expected to disrupt COL11A2 protein function with a positive predictive value of 95%. In summary, the available evidence is currently insufficient to determine the role of this variant in disease. Therefore, it has been classified as a Variant of Uncertain Significance.

Ambry Genetics
Classification: Uncertain significance for Inborn genetic diseases. Last evaluated: 2024-10-29. Review status: criteria provided, single submitter. Criteria: Ambry Variant Classification Scheme 2023. Collection method: clinical testing. Allele origin: germline.

NM_080680.3(COL11A2):c.2701G>A (p.Gly901Arg)

Gene: COL11A2 (collagen type XI alpha 2 chain; minus strand). Cytogenetic location: 6p21.32.
Variant type: single nucleotide variant.
Coding change: c.2701G>A on transcript NM_080680.3 (MANE Select); coding-DNA position 2701, G replaced by A.
Protein change: p.Gly901Arg; replaces glycine 901 with arginine.
Molecular consequence: missense variant.
Genome position (GRCh38, 1-based): chr6:33,173,383, C>T on the plus strand (G>A on the coding strand, the complement: COL11A2 is on the minus strand). VCF-style: chr6-33173383-C-T. GRCh37 (hg19) VCF-style: chr6-33141160-C-T.
Other names: c.2521G>A, p.Gly841Arg (NM_001424108.1); c.1855G>A, p.Gly619Arg (NM_001424109.1); c.1675G>A, p.Gly559Arg (NM_001424110.1, NM_001424111.1); c.655G>A, p.Gly219Arg (NM_001424112.1); c.2380G>A, p.Gly794Arg (NM_080679.3); c.2443G>A, p.Gly815Arg (NM_080681.3); short protein forms G901R, G619R, G219R, G794R, G559R, G815R, G841R.
Identifiers: ClinVar variation 3495044 (VCV003495044.2).